The following is an entry in ClinVar:

ClinVar aggregate classification (germline): Uncertain significance. Review status: criteria provided, multiple submitters, no conflicts (2 of 4 stars). 2 submissions from 2 submitters: Uncertain significance (2). Last evaluated 2022-02-17.

Conditions:
Hereditary cancer-predisposing syndrome. Also called: Hereditary neoplastic syndrome; Tumor predisposition; Neoplastic Syndromes, Hereditary; Hereditary Cancer Syndrome. Identifiers: Orphanet 140162, MedGen C0027672, MeSH D009386, MONDO:0015356.
DICER1-related tumor predisposition. Also called: DICER1 syndrome; DICER1-related pleuropulmonary blastoma cancer predisposition syndrome. Identifiers: Orphanet 284343, MedGen C3839822, MONDO:0100216.

Allele frequency attached by ClinVar (database versions not stated): gnomAD exomes below 0.00001.
gnomAD v4.1: 2 of 1,613,742 alleles (0.00012%); highest among the groups gnomAD compares: Non-Finnish European, 0.00017%; no homozygotes.

Submissions (2):

Ambry Genetics
Classification: Uncertain significance for Hereditary cancer-predisposing syndrome. Last evaluated: 2022-02-17. Review status: criteria provided, single submitter. Criteria: Ambry Variant Classification Scheme 2023. Collection method: clinical testing. Allele origin: germline.
Comment: The p.A639G variant (also known as c.1916C>G), located in coding exon 11 of the DICER1 gene, results from a C to G substitution at nucleotide position 1916. The alanine at codon 639 is replaced by glycine, an amino acid with similar properties. This amino acid position is conserved. In addition, the in silico prediction for this alteration is inconclusive. Since supporting evidence is limited at this time, the clinical significance of this alteration remains unclear.

Labcorp Genetics (formerly Invitae), Labcorp
Classification: Uncertain significance for DICER1-related tumor predisposition. Last evaluated: 2020-11-17. Review status: criteria provided, single submitter. Criteria: Invitae Variant Classification Sherloc (09022015). Collection method: clinical testing. Allele origin: germline.
Comment: This sequence change replaces alanine with glycine at codon 639 of the DICER1 protein (p.Ala639Gly). The alanine residue is highly conserved and there is a small physicochemical difference between alanine and glycine. This variant is not present in population databases (ExAC no frequency). This variant has not been reported in the literature in individuals with DICER1-related conditions. Algorithms developed to predict the effect of missense changes on protein structure and function are either unavailable or do not agree on the potential impact of this missense change (SIFT: "Deleterious"; PolyPhen-2: "Probably Damaging"; Align-GVGD: "Class C0"). Algorithms developed to predict the effect of sequence changes on RNA splicing suggest that this variant may create or strengthen a splice site, but this prediction has not been confirmed by published transcriptional studies. In summary, the available evidence is currently insufficient to determine the role of this variant in disease. Therefore, it has been classified as a Variant of Uncertain Significance.

NM_177438.3(DICER1):c.1916C>G (p.Ala639Gly)

Gene: DICER1 (dicer 1, ribonuclease III; minus strand). Cytogenetic location: 14q32.13.
Variant type: single nucleotide variant.
Coding change: c.1916C>G on transcript NM_177438.3 (MANE Select); coding-DNA position 1916, C replaced by G.
Protein change: p.Ala639Gly; replaces alanine 639 with glycine.
Molecular consequence: missense variant.
Genome position (GRCh38, 1-based): chr14:95,113,216, G>C on the plus strand (C>G on the coding strand, the complement: DICER1 is on the minus strand). VCF-style: chr14-95113216-G-C. GRCh37 (hg19) VCF-style: chr14-95579553-G-C.
Other names: c.1916C>G, p.Ala639Gly (NM_001195573.1, NM_001271282.3, NM_001291628.2 and 1 more transcripts); short protein forms A639G.
Identifiers: ClinVar variation 958195 (VCV000958195.13), dbSNP rs1892140133, ClinGen allele CA390883555.
Genomic context (GRCh38, chr14:95,113,216, plus strand): 5'-GGCAACTCTCGGGTTCTGCATTTAGGAGCTAGATGAGTAAACGGATCACTTGGTAATCTA[G>C]CACAGTATCTGTGAAGAAAAAGAAATTCTGAGGCTGAATCTACAACTGAGAAAATATTGA-3'
Protein context (NP_803187.1, residues 629-649): TAIGHINRYC[Ala639Gly]RLPSDPFTHL